The following is an entry in ClinVar:

ClinVar aggregate classification (germline): Uncertain significance (1 of 4 stars; one submission).

Conditions:
Ataxia-telangiectasia syndrome (AT). Also called: Ataxia-telangiectasia, complementation group D; AT, COMPLEMENTATION GROUP C; ATAXIA-TELANGIECTASIA, COMPLEMENTATION GROUP A; ATAXIA-TELANGIECTASIA, FRESNO VARIANT; Ataxia-telangiectasia; Ataxia telangiectasia (A-T). Identifiers: Orphanet 100, MedGen C0004135, MONDO:0008840, OMIM 208900.

Submission:

Labcorp Genetics (formerly Invitae), Labcorp
Classification: Uncertain significance for Ataxia-telangiectasia syndrome. Last evaluated: 2023-08-27. Review status: criteria provided, single submitter. Criteria: Invitae Variant Classification Sherloc (09022015). Collection method: clinical testing. Allele origin: germline.
Comment: In summary, the available evidence is currently insufficient to determine the role of this variant in disease. Therefore, it has been classified as a Variant of Uncertain Significance. An algorithm developed to predict the effect of missense changes on protein structure and function (PolyPhen-2) suggests that this variant is likely to be disruptive. ClinVar contains an entry for this variant (Variation ID: 937844). This variant has not been reported in the literature in individuals affected with ATM-related conditions. This variant is not present in population databases (gnomAD no frequency). This sequence change replaces leucine, which is neutral and non-polar, with isoleucine, which is neutral and non-polar, at codon 2900 of the ATM protein (p.Leu2900Ile).

NM_000051.4(ATM):c.8698C>A (p.Leu2900Ile)

Genes: ATM (ATM serine/threonine kinase; plus strand), C11orf65 (chromosome 11 open reading frame 65; minus strand). Cytogenetic location: 11q22.3.
Variant type: single nucleotide variant.
Coding change: c.8698C>A on transcript NM_000051.4 (MANE Select); coding-DNA position 8698, C replaced by A.
Protein change: p.Leu2900Ile; replaces leucine 2900 with isoleucine.
Molecular consequence: missense variant. On other transcripts: intron variant (2).
Genome position (GRCh38, 1-based): chr11:108,353,792, C>A. VCF-style: chr11-108353792-C-A. GRCh37 (hg19) VCF-style: chr11-108224519-C-A.
Other names: c.8698C>A, p.Leu2900Ile (NM_001351834.2); c.640+32128G>T (NM_001330368.2); c.695-18500G>T (NM_001351110.2); short protein forms L2900I.
Identifiers: ClinVar variation 937844 (VCV000937844.10), dbSNP rs2089496713, ClinGen allele CA382523680.